The following is an entry in ClinVar:

NM_000106.6(CYP2D6):c.775del (p.Arg259fs)

Gene: CYP2D6 (cytochrome P450 family 2 subfamily D member 6 (gene/pseudogene); minus strand). Cytogenetic location: 22q13.2.
Variant type: Deletion.
Coding change: c.775del on transcript NM_000106.6 (MANE Select); coding-DNA position 775, one base deleted (A; older notation c.775delA).
Protein change: p.Arg259fs; shifts the reading frame from arginine 259.
Molecular consequence: frameshift variant.
Genome position (GRCh38, 1-based): chr22:42,128,242, T deleted on the plus strand (A on the coding strand, the reverse complement: CYP2D6 is on the minus strand). VCF-style (leftmost placement, unchanged base first): chr22-42128241-CT-C. GRCh37 (hg19) VCF-style: chr22-42524243-CT-C.
Other names: 2549delA; CYP2D6*3; c.622del, p.Arg208fs (NM_001025161.3); c.775delA (NM_000106.5); short protein forms R259fs, R208fs.
Identifiers: ClinVar variation 16894 (VCV000016894.7), dbSNP rs35742686, ClinGen allele CA126958.
Genomic context (GRCh38, chr22:42,128,241, plus strand): 5'-ATCTCTGCCAGGAAGGCCTCAGTCAGGTCTCGGGGGGGCTGGGCTGGGTCCCAGGTCATC[CT>C]GTGCTCAGTTAGCAGCTCATCCAGCTGGGTCAGGAAAGCCTTTTGGAAGCGTAGGACCTT-3'

ClinVar aggregate classification (germline): Likely benign; other. Review status: criteria provided, multiple submitters, no conflicts (2 of 4 stars). 3 submissions from 3 submitters: Likely benign (1). 1 of the submissions does not count toward it. Last evaluated 2018-08-06.

Conditions:
Debrisoquine, poor metabolism of. Identifiers: MedGen C1837156.

Allele frequency attached by ClinVar (database versions not stated): TOPMed 0.00999; gnomAD exomes 0.01221 and 0.01563; 1000 Genomes Project 30x 0.00484; 1000 Genomes Project 0.00559; gnomAD 0.01234 and 0.01277; ESP Exome Variant Server 0.01264; ExAC 0.01308.

Submissions (3):

Eurofins Ntd Llc (ga)
Classification: other. Last evaluated: 2018-08-06. Review status: criteria provided, single submitter. Criteria: EGL ClinVar v180209 classification definitions. Collection method: clinical testing. Allele origin: germline.

GeneDx
Classification: Likely benign. Last evaluated: 2018-04-12. Review status: criteria provided, single submitter. Criteria: GeneDx Variant Classification (06012015). Collection method: clinical testing. Allele origin: germline. Affected: yes.
Comment: This variant is considered likely benign or benign based on one or more of the following criteria: it is a conservative change, it occurs at a poorly conserved position in the protein, it is predicted to be benign by multiple in silico algorithms, and/or has population frequency not consistent with disease.

OMIM
Classification: drug response for DEBRISOQUINE, POOR METABOLISM OF. Last evaluated: 1997-06-01. Review status: no assertion criteria provided. Collection method: literature only. Allele origin: germline. Not counted in ClinVar's aggregate classification.

Literature cited by the submitters: PubMed 9241659 (cited by OMIM).